The following is an entry in ClinVar:

ClinVar aggregate classification (germline): Uncertain significance (1 of 4 stars; one submission).

Conditions:
Cardiovascular phenotype. Identifiers: MedGen CN230736.

gnomAD v4.1: 2 of 1,614,094 alleles (0.00012%); highest among the groups gnomAD compares: Admixed American, 0.0017%; no homozygotes.

Submission:

Ambry Genetics
Classification: Uncertain significance for Cardiovascular phenotype. Last evaluated: 2024-04-04. Review status: criteria provided, single submitter. Criteria: Ambry Variant Classification Scheme 2023. Collection method: clinical testing. Allele origin: germline.
Comment: The p.N45S variant (also known as c.134A>G), located in coding exon 2 of the SCN4B gene, results from an A to G substitution at nucleotide position 134. The asparagine at codon 45 is replaced by serine, an amino acid with highly similar properties. This amino acid position is conserved. In addition, this alteration is predicted to be tolerated by in silico analysis. Based on the available evidence, the clinical significance of this variant remains unclear.

NM_174934.4(SCN4B):c.134A>G (p.Asn45Ser)

Gene: SCN4B (sodium voltage-gated channel beta subunit 4; minus strand). Cytogenetic location: 11q23.3.
Variant type: single nucleotide variant.
Coding change: c.134A>G on transcript NM_174934.4 (MANE Select); coding-DNA position 134, A replaced by G.
Protein change: p.Asn45Ser; replaces asparagine 45 with serine.
Molecular consequence: missense variant. On other transcripts: 5 prime UTR variant (1), non-coding transcript variant (1), intron variant (1).
Genome position (GRCh38, 1-based): chr11:118,145,157, T>C on the plus strand (A>G on the coding strand, the complement: SCN4B is on the minus strand). VCF-style: chr11-118145157-T-C. GRCh37 (hg19) VCF-style: chr11-118015872-T-C.
Other names: c.-197A>G (NM_001142349.2); c.62-3821A>G (NM_001142348.2); short protein forms N45S.
Identifiers: ClinVar variation 3316581 (VCV003316581.1).